The following is an entry in ClinVar:

ClinVar aggregate classification (germline): Uncertain significance (1 of 4 stars; one submission).

Allele frequency attached by ClinVar (database versions not stated): gnomAD 0.00001; ExAC 0.00002; TOPMed 0.00002; gnomAD exomes 0.00004.
gnomAD v4.1: 58 of 1,611,354 alleles (0.0036%); highest among the groups gnomAD compares: Non-Finnish European, 0.0047%; no homozygotes.

Submission:

Labcorp Genetics (formerly Invitae), Labcorp
Classification: Uncertain significance. Last evaluated: 2026-02-01. Review status: criteria provided, single submitter. Criteria: Invitae Variant Classification Sherloc (09022015). Collection method: clinical testing. Allele origin: germline.
Comment: This sequence change replaces valine, which is neutral and non-polar, with leucine, which is neutral and non-polar, at codon 309 of the SLC10A2 protein (p.Val309Leu). This variant is present in population databases (rs775436818, gnomAD 0.003%). This variant has not been reported in the literature in individuals affected with SLC10A2-related conditions. ClinVar contains an entry for this variant (Variation ID: 2147805). Invitae Evidence Modeling of protein sequence and biophysical properties (such as structural, functional, and spatial information, amino acid conservation, physicochemical variation, residue mobility, and thermodynamic stability) indicates that this missense variant is not expected to disrupt SLC10A2 protein function with a negative predictive value of 80%. In summary, the available evidence is currently insufficient to determine the role of this variant in disease. Therefore, it has been classified as a Variant of Uncertain Significance.

NM_000452.3(SLC10A2):c.925G>C (p.Val309Leu)

Gene: SLC10A2 (solute carrier family 10 member 2; minus strand). Cytogenetic location: 13q33.1.
Variant type: single nucleotide variant.
Coding change: c.925G>C on transcript NM_000452.3 (MANE Select); coding-DNA position 925, G replaced by C.
Protein change: p.Val309Leu; replaces valine 309 with leucine.
Molecular consequence: missense variant.
Genome position (GRCh38, 1-based): chr13:103,046,255, C>G on the plus strand (G>C on the coding strand, the complement: SLC10A2 is on the minus strand). VCF-style: chr13-103046255-C-G. GRCh37 (hg19) VCF-style: chr13-103698605-C-G.
Other names: short protein forms V309L.
Identifiers: ClinVar variation 2147805 (VCV002147805.4), dbSNP rs775436818, ClinGen allele CA7041970.